The following is an entry in ClinVar:

ClinVar aggregate classification (germline): Uncertain significance (1 of 4 stars; one submission).

Conditions:
Inborn genetic diseases. Identifiers: MedGen C0950123, MeSH D030342.

Allele frequency attached by ClinVar (database versions not stated): gnomAD exomes below 0.00001; gnomAD 0.00001; TOPMed 0.00005.
gnomAD v4.1: 2 of 1,581,528 alleles (0.00013%); highest among the groups gnomAD compares: African/African-American, 0.0027%; no homozygotes.

Submission:

Ambry Genetics
Classification: Uncertain significance for Inborn genetic diseases. Last evaluated: 2025-01-09. Review status: criteria provided, single submitter. Criteria: Ambry Variant Classification Scheme 2023. Collection method: clinical testing. Allele origin: germline.
Comment: The c.1474+3A>G intronic alteration consists of a A to G substitution 3 nucleotides after exon 10 of the MPDZ gene. Based on insufficient or conflicting evidence, the clinical significance of this alteration remains unclear.

NM_001378778.1(MPDZ):c.1474+3A>G

Gene: MPDZ (multiple PDZ domain crumbs cell polarity complex component; minus strand). Cytogenetic location: 9p23.
Variant type: single nucleotide variant.
Coding change: c.1474+3A>G on transcript NM_001378778.1 (MANE Select); 3 bases into the intron after coding-DNA position 1474, A replaced by G.
Molecular consequence: intron variant.
Genome position (GRCh38, 1-based): chr9:13,205,913, T>C on the plus strand (A>G on the coding strand, the complement: MPDZ is on the minus strand). VCF-style: chr9-13205913-T-C. GRCh37 (hg19) VCF-style: chr9-13205912-T-C.
Other names: c.1474+3A>G (NM_001375425.1, NM_001375420.1, NM_001375419.1 and 14 more transcripts).
Identifiers: ClinVar variation 2261628 (VCV002261628.3), dbSNP rs1046775225, ClinGen allele CA189307055.